The following is an entry in ClinVar:

ClinVar aggregate classification (germline): Uncertain significance. Review status: criteria provided, multiple submitters, no conflicts (2 of 4 stars). 4 submissions from 4 submitters: Uncertain significance (4). Last evaluated 2024-07-30.

Conditions:
Autosomal recessive ataxia, Beauce type. Also called: Spinocerebellar ataxia, autosomal recessive 8; ATAXIA, RECESSIVE, OF BEAUCE; SYNE1 Deficiency; SYNE1-Related Autosomal Recessive Cerebellar Ataxia. Identifiers: Orphanet 88644, MedGen C1853116, MONDO:0012549, OMIM 610743.
Emery-Dreifuss muscular dystrophy 4, autosomal dominant (EDMD4). Also called: EMERY-DREIFUSS MUSCULAR DYSTROPHY 4 WITH VARIABLE FEATURES. Identifiers: Orphanet 261, MedGen C2751807, MONDO:0013071, OMIM 612998.

Allele frequency attached by ClinVar (database versions not stated): TOPMed 0.00006; 1000 Genomes Project 30x 0.00016; 1000 Genomes Project 0.00020; gnomAD 0.00001 and 0.00002; ExAC 0.00002; gnomAD exomes 0.00002 and 0.00003.
gnomAD v4.1: 37 of 1,614,178 alleles (0.0023%); highest among the groups gnomAD compares: East Asian, 0.078%; no homozygotes.

Submissions (4):

Labcorp Genetics (formerly Invitae), Labcorp
Classification: Uncertain significance for Emery-Dreifuss muscular dystrophy 4, autosomal dominant; Autosomal recessive ataxia, Beauce type. Last evaluated: 2024-07-30. Review status: criteria provided, single submitter. Criteria: Invitae Variant Classification Sherloc (09022015). Collection method: clinical testing. Allele origin: germline.
Comment: This sequence change replaces alanine, which is neutral and non-polar, with threonine, which is neutral and polar, at codon 944 of the SYNE1 protein (p.Ala944Thr). This variant is present in population databases (rs570242828, gnomAD 0.03%). This variant has not been reported in the literature in individuals affected with SYNE1-related conditions. ClinVar contains an entry for this variant (Variation ID: 596928). An algorithm developed to predict the effect of missense changes on protein structure and function (PolyPhen-2) suggests that this variant¬¨‚Ä†is likely to be tolerated. In summary, the available evidence is currently insufficient to determine the role of this variant in disease. Therefore, it has been classified as a Variant of Uncertain Significance.

Revvity Omics, Revvity
Classification: Uncertain significance. Last evaluated: 2020-02-04. Review status: criteria provided, single submitter. Criteria: ACMG Guidelines, 2015. Collection method: clinical testing. Allele origin: germline.

Athena Diagnostics
Classification: Uncertain significance. Last evaluated: 2018-11-20. Review status: criteria provided, single submitter. Criteria: Athena Diagnostics Criteria. Collection method: clinical testing. Allele origin: germline.

Eurofins Ntd Llc (ga)
Classification: Uncertain significance. Last evaluated: 2018-04-24. Review status: criteria provided, single submitter. Criteria: EGL ClinVar v180209 classification definitions. Collection method: clinical testing. Allele origin: germline. Observed: 1 variant allele, 1 heterozygote.

NM_182961.4(SYNE1):c.2809G>A (p.Ala937Thr)

Gene: SYNE1 (spectrin repeat containing nuclear envelope protein 1; minus strand). Cytogenetic location: 6q25.2.
Variant type: single nucleotide variant.
Coding change: c.2809G>A on transcript NM_182961.4 (MANE Select); coding-DNA position 2809, G replaced by A.
Protein change: p.Ala937Thr; replaces alanine 937 with threonine.
Molecular consequence: missense variant.
Genome position (GRCh38, 1-based): chr6:152,455,509, C>T on the plus strand (G>A on the coding strand, the complement: SYNE1 is on the minus strand). VCF-style: chr6-152455509-C-T. GRCh37 (hg19) VCF-style: chr6-152776644-C-T.
Other names: c.2830G>A (NM_033071.3); c.2830G>A, p.Ala944Thr (NM_033071.5); short protein forms A937T, A944T.
Identifiers: ClinVar variation 596928 (VCV000596928.15), dbSNP rs570242828, ClinGen allele CA4059025.